The following is an entry in ClinVar:

ClinVar aggregate classification (germline): Pathogenic (1 of 4 stars; one submission).

Conditions:
Malignant hyperthermia, susceptibility to, 5 (MHS5). Also called: CACNA1S-Related Malignant Hyperthermia Susceptibility. Identifiers: Orphanet 423, MedGen C1866077, MONDO:0011163, OMIM 601887.
Hypokalemic periodic paralysis, type 1. Also called: Hypokalemic Periodic Paralysis Type 1 (AD); HypoPP. Identifiers: Orphanet 681, MedGen C3714580, MONDO:0042979, OMIM 170400.

gnomAD v4.1: 5 of 1,569,014 alleles (0.00032%); highest among the groups gnomAD compares: Non-Finnish European, 0.00043%; no homozygotes.

Submission:

Labcorp Genetics (formerly Invitae), Labcorp
Classification: Pathogenic for Hypokalemic periodic paralysis, type 1; Malignant hyperthermia, susceptibility to, 5. Last evaluated: 2025-09-30. Review status: criteria provided, single submitter. Criteria: Invitae Variant Classification Sherloc (09022015). Collection method: clinical testing. Allele origin: germline.
Comment: This sequence change creates a premature translational stop signal (p.Trp800*) in the CACNA1S gene. It is expected to result in an absent or disrupted protein product. Loss-of-function variants in CACNA1S are known to be pathogenic (PMID: 26247046, 28012042). This variant is not present in population databases (gnomAD no frequency). This variant has not been reported in the literature in individuals affected with CACNA1S-related conditions. For these reasons, this variant has been classified as Pathogenic.

Literature cited by the submitters: PubMed 26247046; PubMed 28012042.

NM_000069.3(CACNA1S):c.2400G>A (p.Trp800Ter)

Gene: CACNA1S (calcium voltage-gated channel subunit alpha1 S; minus strand). Cytogenetic location: 1q32.1.
Variant type: single nucleotide variant.
Coding change: c.2400G>A on transcript NM_000069.3 (MANE Select); coding-DNA position 2400, G replaced by A.
Protein change: p.Trp800Ter; replaces tryptophan 800 with a stop codon.
Molecular consequence: nonsense.
Genome position (GRCh38, 1-based): chr1:201,069,562, C>T on the plus strand (G>A on the coding strand, the complement: CACNA1S is on the minus strand). VCF-style: chr1-201069562-C-T. GRCh37 (hg19) VCF-style: chr1-201038690-C-T.
Other names: short protein forms W800*.
Identifiers: ClinVar variation 4785318 (VCV004785318.1).